The following is an entry in ClinVar:

ClinVar aggregate classification (germline): Benign/Likely benign. Review status: criteria provided, multiple submitters, no conflicts (2 of 4 stars). 2 submissions from 2 submitters: Benign (1); Likely benign (1). Last evaluated 2025-12-20.

Conditions:
Tuberous sclerosis 2 (TSC2). Identifiers: Orphanet 805, MedGen C1860707, MONDO:0013199, OMIM 613254.

Allele frequency attached by ClinVar (database versions not stated): gnomAD exomes 0.00001 and 0.00003; ExAC 0.00002; TOPMed 0.00002; gnomAD 0.00005 and 0.00006.
gnomAD v4.1: 26 of 1,607,644 alleles (0.0016%); highest among the groups gnomAD compares: African/African-American, 0.015%; no homozygotes.

Submissions (2):

Labcorp Genetics (formerly Invitae), Labcorp
Classification: Likely benign for Tuberous sclerosis 2. Last evaluated: 2025-12-20. Review status: criteria provided, single submitter. Criteria: Invitae Variant Classification Sherloc (09022015). Collection method: clinical testing. Allele origin: germline.

Myriad Genetics, Inc.
Classification: Benign for Tuberous sclerosis 2. Last evaluated: 2024-09-05. Review status: criteria provided, single submitter. Criteria: Myriad Autosomal Dominant, Autosomal Recessive and X-Linked Classification Criteria (2023). Collection method: clinical testing. Allele origin: unknown.
Comment: This variant is considered benign. This variant is intronic and is not expected to impact mRNA splicing. This variant has been observed at a population frequency that is significantly greater than expected given the associated disease prevalence and penetrance.

NM_000548.5(TSC2):c.649-17G>A

Gene: TSC2 (TSC complex subunit 2; plus strand). Cytogenetic location: 16p13.3.
Variant type: single nucleotide variant.
Coding change: c.649-17G>A on transcript NM_000548.5 (MANE Select); 17 bases into the intron before coding-DNA position 649, G replaced by A.
Molecular consequence: intron variant.
Genome position (GRCh38, 1-based): chr16:2,056,627, G>A. VCF-style: chr16-2056627-G-A. GRCh37 (hg19) VCF-style: chr16-2106628-G-A.
Other names: c.649-17G>A (NM_021055.3, NM_001370405.1, NM_001363528.2 and 3 more transcripts); c.538-17G>A (NM_001318827.2); c.49-17G>A (NM_001318831.2); c.502-17G>A (NM_001318829.2); c.682-17G>A (NM_001318832.2).
Identifiers: ClinVar variation 1659337 (VCV001659337.9), dbSNP rs757405342, ClinGen allele CA055935.